The following is an entry in ClinVar:

NM_024757.5(EHMT1):c.808A>G (p.Thr270Ala)

Gene: EHMT1 (euchromatic histone lysine methyltransferase 1; plus strand). Cytogenetic location: 9q34.3.
Variant type: single nucleotide variant.
Coding change: c.808A>G on transcript NM_024757.5 (MANE Select); coding-DNA position 808, A replaced by G.
Protein change: p.Thr270Ala; replaces threonine 270 with alanine.
Molecular consequence: missense variant.
Genome position (GRCh38, 1-based): chr9:137,728,514, A>G. VCF-style: chr9-137728514-A-G. GRCh37 (hg19) VCF-style: chr9-140622966-A-G.
Other names: c.808A>G, p.Thr270Ala (NM_001145527.2, NM_001354263.2, NM_001354611.2); c.715A>G, p.Thr239Ala (NM_001354259.2, NM_001354612.2); short protein forms T239A, T270A.
Identifiers: ClinVar variation 1481851 (VCV001481851.8), dbSNP rs760466657, ClinGen allele CA5374408.

ClinVar aggregate classification (germline): Uncertain significance (1 of 4 stars; one submission).

Conditions:
Kleefstra syndrome 1 (KLEFS1). Identifiers: Orphanet 261494, MedGen C0795833, MONDO:0027407, OMIM 610253.

Allele frequency attached by ClinVar (database versions not stated): gnomAD exomes below 0.00001; TOPMed below 0.00001; ExAC 0.00001; gnomAD 0.00001.
gnomAD v4.1: 7 of 1,614,024 alleles (0.00043%); highest among the groups gnomAD compares: Non-Finnish European, 0.00059%; no homozygotes.

Submission:

Labcorp Genetics (formerly Invitae), Labcorp
Classification: Uncertain significance for Kleefstra syndrome 1. Last evaluated: 2021-02-24. Review status: criteria provided, single submitter. Criteria: Invitae Variant Classification Sherloc (09022015). Collection method: clinical testing. Allele origin: germline.
Comment: This sequence change replaces threonine with alanine at codon 270 of the EHMT1 protein (p.Thr270Ala). The threonine residue is moderately conserved and there is a small physicochemical difference between threonine and alanine. The frequency data for this variant in the population databases is considered unreliable, as metrics indicate poor data quality at this position in the ExAC database. This variant has not been reported in the literature in individuals with EHMT1-related conditions. Algorithms developed to predict the effect of missense changes on protein structure and function output the following: SIFT: "Tolerated"; PolyPhen-2: "Benign"; Align-GVGD: "Class C0". The alanine amino acid residue is found in multiple mammalian species, suggesting that this missense change does not adversely affect protein function. These predictions have not been confirmed by published functional studies and their clinical significance is uncertain. In summary, the available evidence is currently insufficient to determine the role of this variant in disease. Therefore, it has been classified as a Variant of Uncertain Significance.